The following is an entry in ClinVar:

NM_000552.5(VWF):c.4360G>A (p.Val1454Ile)

Gene: VWF (von Willebrand factor; minus strand). Cytogenetic location: 12p13.31.
Variant type: single nucleotide variant.
Coding change: c.4360G>A on transcript NM_000552.5 (MANE Select); coding-DNA position 4360, G replaced by A.
Protein change: p.Val1454Ile; replaces valine 1454 with isoleucine.
Molecular consequence: missense variant.
Genome position (GRCh38, 1-based): chr12:6,019,058, C>T on the plus strand (G>A on the coding strand, the complement: VWF is on the minus strand). VCF-style: chr12-6019058-C-T. GRCh37 (hg19) VCF-style: chr12-6128224-C-T.
Other names: short protein forms V1454I.
Identifiers: ClinVar variation 627070 (VCV000627070.3), dbSNP rs533417176, ClinGen allele CA6402545.
Genomic context (GRCh38, chr12:6,019,058, plus strand): 5'-CCATGTCGGGGGGCAGAGTAGGAGGAGGGGCTTCAGGGGCAAGGTCACAGAGGTAGCTAA[C>T]GATCTCGTCCCTTTGCTGCTCCAGCTCATCCACACTGCTCAGCACGAAGGCCTTGTTCTC-3'
Protein context (NP_000543.3, residues 1444-1464): DELEQQRDEI[Val1454Ile]SYLCDLAPEA

ClinVar aggregate classification (germline): Uncertain significance. Review status: criteria provided, multiple submitters, no conflicts (2 of 4 stars). 2 submissions from 2 submitters: Uncertain significance (2). Last evaluated 2024-07-18.

Conditions:
von Willebrand disease type 2 (VWD2). Also called: VON WILLEBRAND DISEASE, TYPE 2A/IIE; VON WILLEBRAND DISEASE, TYPE 2CB; VON WILLEBRAND DISEASE, TYPE II; VWD, TYPE 2. Identifiers: Orphanet 166081, Orphanet 903, MedGen C1264040, MONDO:0013304, OMIM 613554.

Allele frequency attached by ClinVar (database versions not stated): 1000 Genomes Project below 0.00001; gnomAD 0.00001; TOPMed below 0.00001; ExAC 0.00002.
gnomAD v4.1: 14 of 1,613,778 alleles (0.00087%); highest among the groups gnomAD compares: African/African-American, 0.0027%; no homozygotes.

Submissions (2):

GeneDx
Classification: Uncertain significance. Last evaluated: 2024-07-18. Review status: criteria provided, single submitter. Criteria: GeneDx Variant Classification Process June 2021. Collection method: clinical testing. Allele origin: germline. Affected: yes.
Comment: Observed with a second VWF variant, phase unknown, in a patient with a coagulation disorder in published literature (PMID: 31064749); In silico analysis indicates that this missense variant does not alter protein structure/function; This variant is associated with the following publications: (PMID: 31064749)

NIHR Bioresource Rare Diseases, University of Cambridge
Classification: Uncertain significance for von Willebrand disease type 2. Last evaluated: 2019-02-01. Review status: criteria provided, single submitter. Criteria: ACMG Guidelines, 2015. Collection method: research. Allele origin: unknown. Affected: yes. Observed: 1 compound heterozygote. Study: ThromboGenomics.

Literature cited by the submitters: PubMed 31064749 (cited by NIHR Bioresource Rare Diseases, University of Cambridge).